The following is an entry in ClinVar:

ClinVar aggregate classification (germline): Likely pathogenic (1 of 4 stars; one submission).

Submission:

GeneDx
Classification: Likely pathogenic. Last evaluated: 2019-02-12. Review status: criteria provided, single submitter. Criteria: GeneDx Variant Classification (06012015). Collection method: clinical testing. Allele origin: germline. Affected: yes.
Comment: The c.1766_1767insAA variant has not been published as a pathogenic variant, nor has it been reported as a benign variant to our knowledge. The variant is not observed in large population cohorts (Lek et al., 2016). It causes a frameshift starting with codon Phenylalanine 589, changes this amino acid to a Leucine residue and creates a premature Stop codon at position 18 of the new reading frame, denoted p.Phe589LeufsX18. This variant is predicted to cause loss of normal protein function through protein truncation. We interpret this variant as likely pathogenic.

NM_000493.4(COL10A1):c.1766_1767insAA (p.Phe589fs)

Genes: COL10A1 (collagen type X alpha 1 chain; minus strand), NT5DC1 (5'-nucleotidase domain containing 1; plus strand). Cytogenetic location: 6q22.1.
Variant type: Insertion.
Coding change: c.1766_1767insAA on transcript NM_000493.4 (MANE Select); coding-DNA positions 1766 to 1767, AA inserted.
Protein change: p.Phe589fs; shifts the reading frame from phenylalanine 589.
Molecular consequence: frameshift variant. On other transcripts: intron variant (1).
Genome position: GRCh38 VCF-style: chr6-116120349-A-ATT. GRCh37 (hg19) VCF-style: chr6-116441512-A-ATT.
Other names: c.1766_1767insAA, p.Phe589fs (NM_001424106.1, NM_001424107.1); c.529+2404_529+2405insTT (NM_152729.3); short protein forms F589fs.
Identifiers: ClinVar variation 817448 (VCV000817448.1), dbSNP rs1582812173, ClinGen allele CA915943616.